The following is an entry in ClinVar:

ClinVar aggregate classification (germline): Uncertain significance (1 of 4 stars; one submission).

Conditions:
Nephronophthisis 15 (NPHP15). Identifiers: Orphanet 3156, MedGen C3541853, MONDO:0013917, OMIM 614845.

Allele frequency attached by ClinVar (database versions not stated): gnomAD 0.00001.
gnomAD v4.1: 3 of 1,609,574 alleles (0.00019%); highest among the groups gnomAD compares: African/African-American, 0.0027%; no homozygotes.

Submission:

Labcorp Genetics (formerly Invitae), Labcorp
Classification: Uncertain significance for Nephronophthisis 15. Last evaluated: 2022-03-29. Review status: criteria provided, single submitter. Criteria: Invitae Variant Classification Sherloc (09022015). Collection method: clinical testing. Allele origin: germline.
Comment: In summary, the available evidence is currently insufficient to determine the role of this variant in disease. Therefore, it has been classified as a Variant of Uncertain Significance. Algorithms developed to predict the effect of missense changes on protein structure and function are either unavailable or do not agree on the potential impact of this missense change (SIFT: "Tolerated"; PolyPhen-2: "Possibly Damaging"; Align-GVGD: "Class C0"). This variant has not been reported in the literature in individuals affected with CEP164-related conditions. This variant is present in population databases (no rsID available, gnomAD 0.01%). This sequence change replaces aspartic acid, which is acidic and polar, with glycine, which is neutral and non-polar, at codon 268 of the CEP164 protein (p.Asp268Gly).

NM_014956.5(CEP164):c.803A>G (p.Asp268Gly)

Gene: CEP164 (centrosomal protein 164; plus strand). Cytogenetic location: 11q23.3.
Variant type: single nucleotide variant.
Coding change: c.803A>G on transcript NM_014956.5 (MANE Select); coding-DNA position 803, A replaced by G.
Protein change: p.Asp268Gly; replaces aspartic acid 268 with glycine.
Molecular consequence: missense variant.
Genome position (GRCh38, 1-based): chr11:117,371,117, A>G. VCF-style: chr11-117371117-A-G. GRCh37 (hg19) VCF-style: chr11-117241833-A-G.
Other names: c.803A>G, p.Asp268Gly (NM_001271933.2); short protein forms D268G.
Identifiers: ClinVar variation 2101424 (VCV002101424.4), dbSNP rs1485730362, ClinGen allele CA382736029.